The following is an entry in ClinVar:

NM_005883.3(APC2):c.1796G>A (p.Ser599Asn)

Gene: APC2 (APC regulator of Wnt signaling pathway 2; plus strand). Cytogenetic location: 19p13.3.
Variant type: single nucleotide variant.
Coding change: c.1796G>A on transcript NM_005883.3 (MANE Select); coding-DNA position 1796, G replaced by A.
Protein change: p.Ser599Asn; replaces serine 599 with asparagine.
Molecular consequence: missense variant.
Genome position (GRCh38, 1-based): chr19:1,462,120, G>A. VCF-style: chr19-1462120-G-A. GRCh37 (hg19) VCF-style: chr19-1462119-G-A.
Other names: c.1793G>A, p.Ser598Asn (NM_001351273.1); short protein forms S598N, S599N.
Identifiers: ClinVar variation 2251001 (VCV002251001.5), dbSNP rs150888374, ClinGen allele CA9045282.

ClinVar aggregate classification (germline): Uncertain significance. Review status: criteria provided, multiple submitters, no conflicts (2 of 4 stars). 4 submissions from 4 submitters: Uncertain significance (4). Last evaluated 2026-05-09.

Conditions:
APC2-related disorder. Also called: APC2-Related Disorders; APC2-related condition.
Inborn genetic diseases. Identifiers: MedGen C0950123, MeSH D030342.
Cortical dysplasia, complex, with other brain malformations 10. Identifiers: MedGen C5231458, MONDO:0032866, OMIM 618677.

Allele frequency attached by ClinVar (database versions not stated): ExAC 0.00009; TOPMed 0.00010; gnomAD 0.00011; ESP Exome Variant Server 0.00015; gnomAD exomes 0.00025.
gnomAD v4.1: 371 of 1,612,496 alleles (0.023%); highest among the groups gnomAD compares: Non-Finnish European, 0.03%; no homozygotes.

Submissions (4):

PreventionGenetics, part of Exact Sciences
Classification: Uncertain significance for APC2-related condition. Last evaluated: 2026-05-09. Review status: criteria provided, single submitter. Criteria: ACMG Guidelines, 2015. Collection method: clinical testing. Allele origin: germline.
Comment: The APC2 c.1796G>A variant is predicted to result in the amino acid substitution p.Ser599Asn. To our knowledge, this variant has not been reported in the literature. This variant is reported in 0.025% of alleles in individuals of European (non-Finnish) descent in gnomAD. At this time, the clinical significance of this variant is uncertain due to the absence of conclusive functional and genetic evidence.

Ambry Genetics
Classification: Uncertain significance for Inborn genetic diseases. Last evaluated: 2021-09-27. Review status: criteria provided, single submitter. Criteria: Ambry Variant Classification Scheme 2023. Collection method: clinical testing. Allele origin: germline.

Baylor Genetics
Classification: Uncertain significance for Cortical dysplasia, complex, with other brain malformations 10. Last evaluated: 2021-01-14. Review status: criteria provided, single submitter. Criteria: ACMG Guidelines, 2015. Collection method: clinical testing. Allele origin: unknown.

Daryl Scott Lab, Baylor College of Medicine
Classification: Uncertain significance for Cortical dysplasia, complex, with other brain malformations 10. Review status: criteria provided, single submitter. Criteria: ACMG Guidelines, 2015. Collection method: clinical testing. Allele origin: unknown. Affected: yes. Observed: 1 compound heterozygote.
Comment: PP3